The following is an entry in ClinVar:

NM_015330.6(SPECC1L):c.503A>C (p.Lys168Thr)

Genes: SPECC1L (sperm antigen with calponin homology and coiled-coil domains 1 like; plus strand), SPECC1L-ADORA2A (SPECC1L-ADORA2A readthrough (NMD candidate); plus strand). Cytogenetic location: 22q11.23.
Variant type: single nucleotide variant.
Coding change: c.503A>C on transcript NM_015330.6 (MANE Select); coding-DNA position 503, A replaced by C.
Protein change: p.Lys168Thr; replaces lysine 168 with threonine.
Molecular consequence: missense variant. On other transcripts: non-coding transcript variant (1).
Genome position (GRCh38, 1-based): chr22:24,321,483, A>C. VCF-style: chr22-24321483-A-C. GRCh37 (hg19) VCF-style: chr22-24717451-A-C.
Other names: c.503A>C, p.Lys168Thr (NM_001145468.4, NM_001254732.3); short protein forms K168T.
Identifiers: ClinVar variation 3346513 (VCV003346513.3).
Genomic context (GRCh38, chr22:24,321,483, plus strand): 5'-TGGCATTGGCCAAACGTTCCCGCAGTCGAACTGCTACAGAATGTGACGTTCGTATGAGCA[A>C]GTCTAAGTCAGACAATCAGATCAGTGACAGAGCTGCTTTGGAGGCCAAAGTGAAGGATCT-3'
Protein context (NP_056145.5, residues 158-178): TATECDVRMS[Lys168Thr]SKSDNQISDR

ClinVar aggregate classification (germline): Uncertain significance. Review status: criteria provided, single submitter (1 of 4 stars). 2 submissions from 2 submitters: Uncertain significance (1). 1 of the submissions does not count toward it. Last evaluated 2025-10-30.

Conditions:
SPECC1L-related disorder. Also called: SPECC1L-related condition.

Submissions (2):

GeneDx
Classification: Uncertain significance. Last evaluated: 2025-10-30. Review status: criteria provided, single submitter. Criteria: GeneDx Variant Classification Process June 2021. Collection method: clinical testing. Allele origin: germline.
Comment: Not observed at significant frequency in large population cohorts (gnomAD); In silico analysis supports that this missense variant has a deleterious effect on protein structure/function; Has not been previously published as pathogenic or benign to our knowledge

PreventionGenetics, part of Exact Sciences
Classification: Uncertain significance for SPECC1L-related condition. Last evaluated: 2024-08-31. Review status: no assertion criteria provided. Collection method: clinical testing. Allele origin: germline. Not counted in ClinVar's aggregate classification.
Comment: The SPECC1L c.503A>C variant is predicted to result in the amino acid substitution p.Lys168Thr. To our knowledge, this variant has not been reported in the literature or in a large population database, indicating this variant is rare. At this time, the clinical significance of this variant is uncertain due to the absence of conclusive functional and genetic evidence.